The following is an entry in ClinVar:

NM_001323289.2(CDKL5):c.601_603del (p.Leu201del)

Gene: CDKL5 (cyclin dependent kinase like 5; plus strand). Cytogenetic location: Xp22.13.
Variant type: Deletion.
Coding change: c.601_603del on transcript NM_001323289.2 (MANE Select); coding-DNA positions 601 to 603, 3 bases deleted (CTT; older notation c.601_603delCTT).
Protein change: p.Leu201del; deletes leucine 201.
Molecular consequence: inframe deletion.
Genome position (GRCh38, 1-based): chrX:18,588,000-18,588,002, CTT deleted; deleting any 3 consecutive bases within chrX:18,587,998-18,588,002 gives the same sequence; the c. name uses the placement nearest the transcript's 3' end. VCF-style (leftmost placement, unchanged base first): chrX-18587997-ATTC-A. GRCh37 (hg19) VCF-style: chrX-18606117-ATTC-A.
Other names: NM_001323289.2(CDKL5):c.601_603del; p.Leu201del; c.601_603del, p.Leu201del (NM_001037343.2, NM_003159.3); short protein forms L201del.
Identifiers: ClinVar variation 1062746 (VCV001062746.9), dbSNP rs2147148016, ClinGen allele CA2499226534.

ClinVar aggregate classification (germline): Conflicting classifications of pathogenicity. Review status: criteria provided, conflicting classifications (1 of 4 stars). 2 submissions from 2 submitters: Likely pathogenic (1); Uncertain significance (1). Last evaluated 2024-12-17.

Conditions:
Angelman syndrome-like. Identifiers: MedGen CN128785.
Developmental and epileptic encephalopathy, 2 (DEE2). Also called: INFANTILE SPASM SYNDROME, X-LINKED 2; CDKL5 deficiency disorder. Identifiers: Orphanet 1934, Orphanet 3451, Orphanet 505652, MedGen C4750718, MONDO:0010396, OMIM 300672.
CDKL5 disorder. Identifiers: MedGen CN296942, MONDO:0100039.

Submissions (2):

Centre for Population Genomics, CPG
Classification: Likely pathogenic for CDKL5 disorder. Last evaluated: 2024-12-17. Review status: criteria provided, single submitter. Criteria: McKnight et al. (Hum Mutat. 2022). Collection method: curation. Allele origin: germline. Inheritance: X-linked inheritance.
Comment: This variant has been collected from RettBASE and curated to current modified ACMG/AMP criteria. Based on the classification scheme defined by the ClinGen Rett/Angelman-like Expert Panel for Rett/AS-like Disorders Specifications to the ACMG/AMP Variant Interpretation Guidelines VCEP 3.0, this variant is classified as likely pathogenic. At least the following criteria are met: This variant has been identified as a de novo occurrence in at least 2 individuals with CDKL5 disorder, without confirmation of paternity and maternity (PM6_Strong, PMID: 31618474, PMID: 33989939, PMID: 38279250). This variant is absent from gnomAD (PM2_Supporting). Protein length changes of < 3 amino acid residues due to in-frame deletions/insertions in a non-repeat region (PM4_Supporting).Has been observed in at least 2 individuals with phenotypes consistent with CDKL5 disorder (PS4_Supporting, PMID: 34070668, PMID: 38279250, PMID: 31618474, PMID: 33989939).

Labcorp Genetics (formerly Invitae), Labcorp
Classification: Uncertain significance for Developmental and epileptic encephalopathy, 2; Angelman syndrome-like. Last evaluated: 2020-03-04. Review status: criteria provided, single submitter. Criteria: Invitae Variant Classification Sherloc (09022015). Collection method: clinical testing. Allele origin: germline.
Comment: This variant, c.601_603del, results in the deletion of 1 amino acid(s) of the CDKL5 protein (p.Leu201del), but otherwise preserves the integrity of the reading frame. This variant is not present in population databases (ExAC no frequency). This variant has not been reported in the literature in individuals with CDKL5-related conditions. Experimental studies and prediction algorithms are not available or were not evaluated, and the functional significance of this variant is currently unknown. In summary, the available evidence is currently insufficient to determine the role of this variant in disease. Therefore, it has been classified as a Variant of Uncertain Significance.